The following is an entry in ClinVar:

ClinVar aggregate classification (germline): Uncertain significance (1 of 4 stars; one submission).

Conditions:
Joubert syndrome 23 (JBTS23). Identifiers: Orphanet 475, MedGen C4084822, MONDO:0014664, OMIM 616490.
Short-rib thoracic dysplasia 14 with polydactyly (SRTD14). Identifiers: Orphanet 397715, MedGen C4225286, MONDO:0014688, OMIM 616546.

Submission:

Labcorp Genetics (formerly Invitae), Labcorp
Classification: Uncertain significance for Joubert syndrome 23; Short-rib thoracic dysplasia 14 with polydactyly. Last evaluated: 2021-04-23. Review status: criteria provided, single submitter. Criteria: Invitae Variant Classification Sherloc (09022015). Collection method: clinical testing. Allele origin: germline.
Comment: This variant has not been reported in the literature in individuals with KIAA0586-related conditions. In summary, the available evidence is currently insufficient to determine the role of this variant in disease. Therefore, it has been classified as a Variant of Uncertain Significance. Algorithms developed to predict the effect of sequence changes on RNA splicing suggest that this variant may disrupt the consensus splice site, but this prediction has not been confirmed by published transcriptional studies. This variant is not present in population databases (ExAC no frequency). This sequence change falls in intron 21 of the KIAA0586 gene. It does not directly change the encoded amino acid sequence of the KIAA0586 protein.

NM_001329943.3(KIAA0586):c.2826-8C>A

Gene: KIAA0586 (KIAA0586; plus strand). Cytogenetic location: 14q23.1.
Variant type: single nucleotide variant.
Coding change: c.2826-8C>A on transcript NM_001329943.3 (MANE Select); 8 bases into the intron before coding-DNA position 2826, C replaced by A.
Molecular consequence: intron variant.
Genome position (GRCh38, 1-based): chr14:58,477,115, C>A. VCF-style: chr14-58477115-C-A. GRCh37 (hg19) VCF-style: chr14-58943833-C-A.
Other names: c.2985-8C>A (NM_001244189.2); c.2781-8C>A (NM_001244190.2); c.2694-8C>A (NM_001244192.2); c.2571-8C>A (NM_001244191.2, NM_001364701.2, NM_001329945.2 and 1 more transcripts); c.2826-8C>A (NM_001329944.2, NM_001329946.2, NM_001329947.2); c.2598-8C>A (NM_014749.5); c.2406-8C>A (NM_001244193.2).
Identifiers: ClinVar variation 1500555 (VCV001500555.8), dbSNP rs2141053167, ClinGen allele CA2573150070.